The following is an entry in ClinVar:

ClinVar aggregate classification (germline): Uncertain significance. Review status: criteria provided, multiple submitters, no conflicts (2 of 4 stars). 2 submissions from 2 submitters: Uncertain significance (2). Last evaluated 2023-11-19.

Conditions:
Disseminated atypical mycobacterial infection. Identifiers: MedGen C0694566.

Submissions (2):

GeneDx
Classification: Uncertain significance. Last evaluated: 2023-11-19. Review status: criteria provided, single submitter. Criteria: GeneDx Variant Classification Process June 2021. Collection method: clinical testing. Allele origin: germline. Affected: yes.
Comment: Not observed at significant frequency in large population cohorts (gnomAD); In silico analysis supports that this missense variant does not alter protein structure/function; Has not been previously published as pathogenic or benign to our knowledge

Labcorp Genetics (formerly Invitae), Labcorp
Classification: Uncertain significance for Disseminated atypical mycobacterial infection. Last evaluated: 2023-07-12. Review status: criteria provided, single submitter. Criteria: Invitae Variant Classification Sherloc (09022015). Collection method: clinical testing. Allele origin: germline.
Comment: In summary, the available evidence is currently insufficient to determine the role of this variant in disease. Therefore, it has been classified as a Variant of Uncertain Significance. Algorithms developed to predict the effect of missense changes on protein structure and function output the following: SIFT: "Not Available"; PolyPhen-2: "Benign"; Align-GVGD: "Not Available". The glutamic acid amino acid residue is found in multiple mammalian species, which suggests that this missense change does not adversely affect protein function. This variant has not been reported in the literature in individuals affected with IFNGR1-related conditions. This variant is not present in population databases (gnomAD no frequency). This sequence change replaces glutamine, which is neutral and polar, with glutamic acid, which is acidic and polar, at codon 12 of the IFNGR1 protein (p.Gln12Glu).

NM_000416.3(IFNGR1):c.34C>G (p.Gln12Glu)

Gene: IFNGR1 (interferon gamma receptor 1; minus strand). Cytogenetic location: 6q23.3.
Variant type: single nucleotide variant.
Coding change: c.34C>G on transcript NM_000416.3 (MANE Select); coding-DNA position 34, C replaced by G.
Protein change: p.Gln12Glu; replaces glutamine 12 with glutamic acid.
Molecular consequence: missense variant.
Genome position (GRCh38, 1-based): chr6:137,219,294, G>C on the plus strand (C>G on the coding strand, the complement: IFNGR1 is on the minus strand). VCF-style: chr6-137219294-G-C. GRCh37 (hg19) VCF-style: chr6-137540431-G-C.
Other names: short protein forms Q12E.
Identifiers: ClinVar variation 2742346 (VCV002742346.4), dbSNP rs2548247404, ClinGen allele CA365776485.